The following is an entry in ClinVar:

ClinVar aggregate classification (germline): Uncertain significance (1 of 4 stars; one submission).

Conditions:
Autosomal recessive limb-girdle muscular dystrophy type 2E (LGMDR4). Also called: MUSCULAR DYSTROPHY, LIMB-GIRDLE, AUTOSOMAL RECESSIVE 4. Identifiers: Orphanet 119, MedGen C1858593, MONDO:0011423, OMIM 604286. Disease mechanism: Affects gamma-sarcoglycan and also disrupts the integrity of the entire sarcoglycan complex..

Allele frequency attached by ClinVar (database versions not stated): 1000 Genomes Project below 0.00001; gnomAD exomes below 0.00001 and 0.00001; gnomAD 0.00001.

Submission:

Labcorp Genetics (formerly Invitae), Labcorp
Classification: Uncertain significance for Autosomal recessive limb-girdle muscular dystrophy type 2E. Last evaluated: 2021-08-13. Review status: criteria provided, single submitter. Criteria: Invitae Variant Classification Sherloc (09022015). Collection method: clinical testing. Allele origin: germline.
Comment: This sequence change replaces cysteine with arginine at codon 314 of the SGCB protein (p.Cys314Arg). The cysteine residue is highly conserved and there is a large physicochemical difference between cysteine and arginine. This variant is not present in population databases (ExAC no frequency). This variant has not been reported in the literature in individuals affected with SGCB-related conditions. Algorithms developed to predict the effect of missense changes on protein structure and function (SIFT, PolyPhen-2, Align-GVGD) all suggest that this variant is likely to be disruptive. In summary, the available evidence is currently insufficient to determine the role of this variant in disease. Therefore, it has been classified as a Variant of Uncertain Significance.

NM_000232.5(SGCB):c.940T>C (p.Cys314Arg)

Gene: SGCB (sarcoglycan beta; minus strand). Cytogenetic location: 4q12.
Variant type: single nucleotide variant.
Coding change: c.940T>C on transcript NM_000232.5 (MANE Select); coding-DNA position 940, T replaced by C.
Protein change: p.Cys314Arg; replaces cysteine 314 with arginine.
Molecular consequence: missense variant.
Genome position (GRCh38, 1-based): chr4:52,023,974, A>G on the plus strand (T>C on the coding strand, the complement: SGCB is on the minus strand). VCF-style: chr4-52023974-A-G. GRCh37 (hg19) VCF-style: chr4-52890140-A-G.
Other names: short protein forms C314R.
Identifiers: ClinVar variation 466609 (VCV000466609.6), dbSNP rs573919387, ClinGen allele CA96774052.